The following is an entry in ClinVar:

ClinVar aggregate classification (germline): Uncertain significance (1 of 4 stars; one submission).

Conditions:
Hereditary cancer-predisposing syndrome. Also called: Hereditary Cancer Syndrome; Neoplastic Syndromes, Hereditary; Tumor predisposition; Hereditary neoplastic syndrome. Identifiers: Orphanet 140162, MedGen C0027672, MeSH D009386, MONDO:0015356.

Submission:

Ambry Genetics
Classification: Uncertain significance for Hereditary cancer-predisposing syndrome. Last evaluated: 2026-08-08. Review status: criteria provided, single submitter. Criteria: Ambry Variant Classification Scheme 2023. Collection method: clinical testing. Allele origin: germline.
Comment: The p.H1124Y variant (also known as c.3370C>T), located in coding exon 21 of the ALK gene, results from a C to T substitution at nucleotide position 3370. The histidine at codon 1124 is replaced by tyrosine, an amino acid with similar properties. This amino acid position is conserved. In addition, the in silico prediction for this alteration is inconclusive. Based on the available evidence, the clinical significance of this variant remains unclear.

NM_004304.5(ALK):c.3370C>T (p.His1124Tyr)

Gene: ALK (ALK receptor tyrosine kinase; minus strand). Cytogenetic location: 2p23.2.
Variant type: single nucleotide variant.
Coding change: c.3370C>T on transcript NM_004304.5 (MANE Select); coding-DNA position 3370, C replaced by T.
Protein change: p.His1124Tyr; replaces histidine 1124 with tyrosine.
Molecular consequence: missense variant.
Genome position (GRCh38, 1-based): chr2:29,222,597, G>A on the plus strand (C>T on the coding strand, the complement: ALK is on the minus strand). VCF-style: chr2-29222597-G-A. GRCh37 (hg19) VCF-style: chr2-29445463-G-A.
Other names: c.166C>T, p.His56Tyr (NM_001353765.2); short protein forms H56Y, H1124Y.
Identifiers: ClinVar variation 5035458 (VCV005035458.1).